The following is an entry in ClinVar:

ClinVar aggregate classification (germline): Uncertain significance (1 of 4 stars; one submission).

Conditions:
Inborn genetic diseases. Identifiers: MedGen C0950123, MeSH D030342.

Submission:

Ambry Genetics
Classification: Uncertain significance for Inborn genetic diseases. Last evaluated: 2026-05-18. Review status: criteria provided, single submitter. Criteria: Ambry Variant Classification Scheme 2023. Collection method: clinical testing. Allele origin: germline.
Comment: The c.3229G>C (p.G1077R) alteration is located in exon 27 (coding exon 27) of the CACNA1D gene. This alteration results from a G to C substitution at nucleotide position 3229, causing the glycine (G) at amino acid position 1077 to be replaced by an arginine (R). This variant was not reported in population-based cohorts in the Genome Aggregation Database (gnomAD). This amino acid position is highly conserved in available vertebrate species. This alteration is predicted to be deleterious by in silico analysis. Based on insufficient or conflicting evidence, the clinical significance of this alteration remains unclear.

NM_001128840.3(CACNA1D):c.3169G>C (p.Gly1057Arg)

Gene: CACNA1D (calcium voltage-gated channel subunit alpha1 D; plus strand). Cytogenetic location: 3p21.1.
Variant type: single nucleotide variant.
Coding change: c.3169G>C on transcript NM_001128840.3 (MANE Select); coding-DNA position 3169, G replaced by C.
Protein change: p.Gly1057Arg; replaces glycine 1057 with arginine.
Molecular consequence: missense variant.
Genome position (GRCh38, 1-based): chr3:53,747,303, G>C. VCF-style: chr3-53747303-G-C. GRCh37 (hg19) VCF-style: chr3-53781330-G-C.
Other names: c.3229G>C, p.Gly1077Arg (NM_000720.4); c.3169G>C, p.Gly1057Arg (NM_001128839.3); short protein forms G1057R, G1077R.
Identifiers: ClinVar variation 4868071 (VCV004868071.1).